The following is an entry in ClinVar:

NM_032802.4(SPPL2A):c.239C>A (p.Pro80His)

Gene: SPPL2A (signal peptide peptidase like 2A; minus strand). Cytogenetic location: 15q21.2.
Variant type: single nucleotide variant.
Coding change: c.239C>A on transcript NM_032802.4 (MANE Select); coding-DNA position 239, C replaced by A.
Protein change: p.Pro80His; replaces proline 80 with histidine.
Molecular consequence: missense variant.
Genome position (GRCh38, 1-based): chr15:50,748,809, G>T on the plus strand (C>A on the coding strand, the complement: SPPL2A is on the minus strand). VCF-style: chr15-50748809-G-T. GRCh37 (hg19) VCF-style: chr15-51041006-G-T.
Other names: c.239C>A (NM_032802.3); short protein forms P80H.
Identifiers: ClinVar variation 3010516 (VCV003010516.4), dbSNP rs767794890, ClinGen allele CA7558541.

ClinVar aggregate classification (germline): Uncertain significance. Review status: criteria provided, multiple submitters, no conflicts (2 of 4 stars). 2 submissions from 2 submitters: Uncertain significance (2). Last evaluated 2024-02-28.

Allele frequency attached by ClinVar (database versions not stated): gnomAD 0.00001; gnomAD exomes 0.00001; ExAC 0.00002; TOPMed 0.00003.
gnomAD v4.1: 11 of 1,611,084 alleles (0.00068%); highest among the groups gnomAD compares: East Asian, 0.025%; no homozygotes.

Submissions (2):

Ambry Genetics
Classification: Uncertain significance. Last evaluated: 2024-02-28. Review status: criteria provided, single submitter. Criteria: Ambry Variant Classification Scheme 2023. Collection method: clinical testing. Allele origin: germline.

Labcorp Genetics (formerly Invitae), Labcorp
Classification: Uncertain significance. Last evaluated: 2023-04-14. Review status: criteria provided, single submitter. Criteria: Invitae Variant Classification Sherloc (09022015). Collection method: clinical testing. Allele origin: germline.
Comment: This sequence change replaces proline, which is neutral and non-polar, with histidine, which is basic and polar, at codon 80 of the SPPL2A protein (p.Pro80His). This variant is present in population databases (rs767794890, gnomAD 0.05%). This variant has not been reported in the literature in individuals affected with SPPL2A-related conditions. An algorithm developed to predict the effect of missense changes on protein structure and function (PolyPhen-2) suggests that this variant is likely to be tolerated. In summary, the available evidence is currently insufficient to determine the role of this variant in disease. Therefore, it has been classified as a Variant of Uncertain Significance.